The following is an entry in ClinVar:

ClinVar aggregate classification (germline): Uncertain significance. Review status: criteria provided, multiple submitters, no conflicts (2 of 4 stars). 2 submissions from 2 submitters: Uncertain significance (2). Last evaluated 2025-02-08.

Conditions:
Hereditary cancer-predisposing syndrome. Also called: Hereditary Cancer Syndrome; Hereditary neoplastic syndrome; Neoplastic Syndromes, Hereditary; Tumor predisposition. Identifiers: Orphanet 140162, MedGen C0027672, MeSH D009386, MONDO:0015356.
Microcephaly, normal intelligence and immunodeficiency (NBS). Also called: Nijmegen breakage syndrome; Microcephaly with normal intelligence immunodeficiency and lymphoreticular malignancies; Nonsyndromal microcephaly autosomal recessive with normal intelligence; Seemanova syndrome 2; BERLIN BREAKAGE SYNDROME; IMMUNODEFICIENCY, MICROCEPHALY, AND CHROMOSOMAL INSTABILITY. Identifiers: Orphanet 647, MedGen C0398791, MONDO:0009623, OMIM 251260.

Submissions (2):

Ambry Genetics
Classification: Uncertain significance for Hereditary cancer-predisposing syndrome. Last evaluated: 2025-02-08. Review status: criteria provided, single submitter. Criteria: Ambry Variant Classification Scheme 2023. Collection method: clinical testing. Allele origin: germline.
Comment: The p.Q130H variant (also known as c.390A>C), located in coding exon 4 of the NBN gene, results from an A to C substitution at nucleotide position 390. The glutamine at codon 130 is replaced by histidine, an amino acid with highly similar properties. This amino acid position is conserved. In addition, this alteration is predicted to be tolerated by in silico analysis. Based on the available evidence, the clinical significance of this variant remains unclear.

Labcorp Genetics (formerly Invitae), Labcorp
Classification: Uncertain significance for Microcephaly, normal intelligence and immunodeficiency. Last evaluated: 2023-08-04. Review status: criteria provided, single submitter. Criteria: Invitae Variant Classification Sherloc (09022015). Collection method: clinical testing. Allele origin: germline.
Comment: In summary, the available evidence is currently insufficient to determine the role of this variant in disease. Therefore, it has been classified as a Variant of Uncertain Significance. Algorithms developed to predict the effect of missense changes on protein structure and function output the following: SIFT: "Not Available"; PolyPhen-2: "Benign"; Align-GVGD: "Not Available". The histidine amino acid residue is found in multiple mammalian species, which suggests that this missense change does not adversely affect protein function. This variant has not been reported in the literature in individuals affected with NBN-related conditions. This variant is not present in population databases (gnomAD no frequency). This sequence change replaces glutamine, which is neutral and polar, with histidine, which is basic and polar, at codon 130 of the NBN protein (p.Gln130His).

NM_002485.5(NBN):c.390A>C (p.Gln130His)

Gene: NBN (nibrin; minus strand). Cytogenetic location: 8q21.3.
Variant type: single nucleotide variant.
Coding change: c.390A>C on transcript NM_002485.5 (MANE Select); coding-DNA position 390, A replaced by C.
Protein change: p.Gln130His; replaces glutamine 130 with histidine.
Molecular consequence: missense variant.
Genome position (GRCh38, 1-based): chr8:89,980,824, T>G on the plus strand (A>C on the coding strand, the complement: NBN is on the minus strand). VCF-style: chr8-89980824-T-G. GRCh37 (hg19) VCF-style: chr8-90993052-T-G.
Other names: c.144A>C, p.Gln48His (NM_001024688.3); short protein forms Q130H, Q48H.
Identifiers: ClinVar variation 2845508 (VCV002845508.4), dbSNP rs146150499, ClinGen allele CA371661957.